The following is an entry in ClinVar:

ClinVar aggregate classification (germline): Likely pathogenic (1 of 4 stars; one submission).

Conditions:
Diamond-Blackfan anemia 6 (DBA6). Also called: RPL5-Related Diamond-Blackfan Anemia. Identifiers: Orphanet 124, MedGen C2931850, MONDO:0012937, OMIM 612561.

Submission:

3billion
Classification: Likely pathogenic for Diamond-Blackfan anemia 6. Last evaluated: 2024-09-20. Review status: criteria provided, single submitter. Criteria: ACMG Guidelines, 2015. Collection method: clinical testing. Allele origin: germline. Affected: yes.
Comment: The variant is observed at an extremely low frequency in the gnomAD v4.0.0 dataset (total allele frequency: <0.001%). Predicted Consequence/Location: Frameshift: predicted to result in a loss or disruption of normal protein function through nonsense-mediated decay (NMD) or protein truncation. Multiple pathogenic variants are reported downstream of the variant. Therefore, this variant is classified as Likely pathogenic according to the recommendation of ACMG/AMP guideline.

NM_000969.5(RPL5):c.255del (p.Lys85fs)

Genes: DIPK1A (divergent protein kinase domain 1A; minus strand), RPL5 (ribosomal protein L5; plus strand). Cytogenetic location: 1p22.1.
Variant type: Deletion.
Coding change: c.255del on transcript NM_000969.5 (MANE Select); coding-DNA position 255, one base deleted (A; older notation c.255delA).
Protein change: p.Lys85fs; shifts the reading frame from lysine 85.
Molecular consequence: frameshift variant. On other transcripts: non-coding transcript variant (1), intron variant (1).
Genome position (GRCh38, 1-based): chr1:92,834,844, A deleted; the last of 4 consecutive A bases (chr1:92,834,841-92,834,844); deleting any one gives the same sequence. VCF-style (leftmost placement, unchanged base first): chr1-92834840-CA-C. GRCh37 (hg19) VCF-style: chr1-93300397-CA-C.
Other names: c.475-1807del (NM_001252273.2); short protein forms K85fs.
Identifiers: ClinVar variation 4293207 (VCV004293207.1).
Genomic context (GRCh38, chr1:92,834,840, plus strand): 5'-TTGCTTATGCCCGTATAGAGGGGGATATGATAGTCTGCGCAGCGTATGCACACGAACTGC[CA>C]AAATATGGTGTGAAGGTTGGCCTGACAAATTATGCTGCAGCATATTGTACTGGCCTGCTG-3'